The following is an entry in ClinVar:

NM_006947.4(SRP72):c.107A>C (p.Lys36Thr)

Gene: SRP72 (signal recognition particle 72; plus strand). Cytogenetic location: 4q12.
Variant type: single nucleotide variant.
Coding change: c.107A>C on transcript NM_006947.4 (MANE Select); coding-DNA position 107, A replaced by C.
Protein change: p.Lys36Thr; replaces lysine 36 with threonine.
Molecular consequence: missense variant. On other transcripts: non-coding transcript variant (1).
Genome position (GRCh38, 1-based): chr4:56,467,742, A>C. VCF-style: chr4-56467742-A-C. GRCh37 (hg19) VCF-style: chr4-57333908-A-C.
Other names: c.107A>C, p.Lys36Thr (NM_001267722.2); short protein forms K36T.
Identifiers: ClinVar variation 3962129 (VCV003962129.1).

ClinVar aggregate classification (germline): Uncertain significance (1 of 4 stars; one submission).

gnomAD v4.1: 1 of 1,442,404 alleles (0.000069%); highest among the groups gnomAD compares: East Asian, 0.0028%; no homozygotes.

Submission:

Ambry Genetics
Classification: Uncertain significance. Last evaluated: 2025-05-31. Review status: criteria provided, single submitter. Criteria: Ambry Variant Classification Scheme 2023. Collection method: clinical testing. Allele origin: germline.
Comment: The p.K36T variant (also known as c.107A>C), located in coding exon 1 of the SRP72 gene, results from an A to C substitution at nucleotide position 107. The lysine at codon 36 is replaced by threonine, an amino acid with similar properties. This amino acid position is conserved. In addition, the in silico prediction for this alteration is inconclusive. Based on the available evidence, the clinical significance of this variant remains unclear.